The following is an entry in ClinVar:

NM_004260.4(RECQL4):c.768C>G (p.Ser256Arg)

Gene: RECQL4 (RecQ like helicase 4; minus strand). Cytogenetic location: 8q24.3.
Variant type: single nucleotide variant.
Coding change: c.768C>G on transcript NM_004260.4 (MANE Select); coding-DNA position 768, C replaced by G.
Protein change: p.Ser256Arg; replaces serine 256 with arginine.
Molecular consequence: missense variant.
Genome position (GRCh38, 1-based): chr8:144,516,351, G>C on the plus strand (C>G on the coding strand, the complement: RECQL4 is on the minus strand). VCF-style: chr8-144516351-G-C. GRCh37 (hg19) VCF-style: chr8-145741735-G-C.
Other names: c.768C>G (NM_004260.3); short protein forms S256R.
Identifiers: ClinVar variation 1432182 (VCV001432182.7), dbSNP rs772714143, ClinGen allele CA372689325.

ClinVar aggregate classification (germline): Uncertain significance. Review status: criteria provided, multiple submitters, no conflicts (2 of 4 stars). 2 submissions from 2 submitters: Uncertain significance (2). Last evaluated 2025-12-21.

Conditions:
Inborn genetic diseases. Identifiers: MedGen C0950123, MeSH D030342.
Baller-Gerold syndrome (BGS). Also called: CRANIOSYNOSTOSIS WITH RADIAL DEFECTS. Identifiers: Orphanet 1225, MedGen C0265308, MONDO:0009039, OMIM 218600.

gnomAD v4.1: 1 of 1,609,838 alleles (0.000062%); highest among the groups gnomAD compares: Non-Finnish European, 0.000085%; no homozygotes.

Submissions (2):

Ambry Genetics
Classification: Uncertain significance for Inborn genetic diseases. Last evaluated: 2025-12-21. Review status: criteria provided, single submitter. Criteria: Ambry Variant Classification Scheme 2023. Collection method: clinical testing. Allele origin: germline.
Comment: The p.S256R variant (also known as c.768C>G), located in coding exon 5 of the RECQL4 gene, results from a C to G substitution at nucleotide position 768. The serine at codon 256 is replaced by arginine, an amino acid with dissimilar properties. This amino acid position is conserved. In addition, this alteration is predicted to be tolerated by in silico analysis. Based on the available evidence, the clinical significance of this variant remains unclear.

Labcorp Genetics (formerly Invitae), Labcorp
Classification: Uncertain significance for Baller-Gerold syndrome. Last evaluated: 2022-09-12. Review status: criteria provided, single submitter. Criteria: Invitae Variant Classification Sherloc (09022015). Collection method: clinical testing. Allele origin: germline.
Comment: In summary, the available evidence is currently insufficient to determine the role of this variant in disease. Therefore, it has been classified as a Variant of Uncertain Significance. Experimental studies and prediction algorithms are not available or were not evaluated, and the functional significance of this variant is currently unknown. ClinVar contains an entry for this variant (Variation ID: 1432182). This variant has not been reported in the literature in individuals affected with RECQL4-related conditions. This variant is not present in population databases (gnomAD no frequency). This sequence change replaces serine, which is neutral and polar, with arginine, which is basic and polar, at codon 256 of the RECQL4 protein (p.Ser256Arg).